The following is an entry in ClinVar:

NM_016343.4(CENPF):c.2520G>A (p.Glu840=)

Gene: CENPF (centromere protein F; plus strand). Cytogenetic location: 1q41.
Variant type: single nucleotide variant.
Coding change: c.2520G>A on transcript NM_016343.4 (MANE Select); coding-DNA position 2520, G replaced by A.
Protein change: p.Glu840=; no amino-acid change (glutamic acid 840 retained).
Molecular consequence: synonymous variant.
Genome position (GRCh38, 1-based): chr1:214,640,858, G>A. VCF-style: chr1-214640858-G-A. GRCh37 (hg19) VCF-style: chr1-214814201-G-A.
Identifiers: ClinVar variation 792664 (VCV000792664.7), dbSNP rs145907868, ClinGen allele CA1390268.

ClinVar aggregate classification (germline): Likely benign. Review status: criteria provided, single submitter (1 of 4 stars). 2 submissions from 2 submitters: Likely benign (1). 1 of the submissions does not count toward it. Last evaluated 2025-05-15.

Conditions:
CENPF-related disorder. Also called: CENPF-related condition.

Allele frequency attached by ClinVar (database versions not stated): gnomAD 0.00017 and 0.00019; TOPMed 0.00018; ESP Exome Variant Server 0.00031; gnomAD exomes 0.00002 and 0.00006; ExAC 0.00008.
gnomAD v4.1: 57 of 1,599,058 alleles (0.0036%); highest among the groups gnomAD compares: African/African-American, 0.039%; no homozygotes.

Submissions (2):

Labcorp Genetics (formerly Invitae), Labcorp
Classification: Likely benign. Last evaluated: 2025-05-15. Review status: criteria provided, single submitter. Criteria: Invitae Variant Classification Sherloc (09022015). Collection method: clinical testing. Allele origin: germline.

PreventionGenetics, part of Exact Sciences
Classification: Likely benign for CENPF-related condition. Last evaluated: 2022-01-07. Review status: no assertion criteria provided. Collection method: clinical testing. Allele origin: germline. Not counted in ClinVar's aggregate classification.
Comment: This variant is classified as likely benign based on ACMG/AMP sequence variant interpretation guidelines (Richards et al. 2015 PMID: 25741868, with internal and published modifications).